The following is an entry in ClinVar:

ClinVar aggregate classification (germline): Uncertain significance (1 of 4 stars; one submission).

Conditions:
Ehlers-Danlos syndrome, classic type, 1 (EDSCL1). Also called: EHLERS-DANLOS SYNDROME, GRAVIS TYPE; EHLERS-DANLOS SYNDROME, SEVERE CLASSIC TYPE; Ehlers-Danlos syndrome, type 1; Ehlers-Danlos Syndrome, Classic Type, COL5A1-Related; EDS I. Identifiers: MedGen C0268335, MONDO:0019567, OMIM 130000.

Submission:

Labcorp Genetics (formerly Invitae), Labcorp
Classification: Uncertain significance for Ehlers-Danlos syndrome, classic type, 1. Last evaluated: 2025-03-26. Review status: criteria provided, single submitter. Criteria: Invitae Variant Classification Sherloc (09022015). Collection method: clinical testing. Allele origin: germline.
Comment: This sequence change replaces glycine, which is neutral and non-polar, with glutamic acid, which is acidic and polar, at codon 510 of the COL5A2 protein (p.Gly510Glu). This variant is not present in population databases (gnomAD no frequency). This variant has not been reported in the literature in individuals affected with COL5A2-related conditions. ClinVar contains an entry for this variant (Variation ID: 2811736). Invitae Evidence Modeling of protein sequence and biophysical properties (such as structural, functional, and spatial information, amino acid conservation, physicochemical variation, residue mobility, and thermodynamic stability) indicates that this missense variant is expected to disrupt COL5A2 protein function with a positive predictive value of 80%. In summary, the available evidence is currently insufficient to determine the role of this variant in disease. Therefore, it has been classified as a Variant of Uncertain Significance.

NM_000393.5(COL5A2):c.1529G>A (p.Gly510Glu)

Gene: COL5A2 (collagen type V alpha 2 chain; minus strand). Cytogenetic location: 2q32.2.
Variant type: single nucleotide variant.
Coding change: c.1529G>A on transcript NM_000393.5 (MANE Select); coding-DNA position 1529, G replaced by A.
Protein change: p.Gly510Glu; replaces glycine 510 with glutamic acid.
Molecular consequence: missense variant.
Genome position (GRCh38, 1-based): chr2:189,066,424, C>T on the plus strand (G>A on the coding strand, the complement: COL5A2 is on the minus strand). VCF-style: chr2-189066424-C-T. GRCh37 (hg19) VCF-style: chr2-189931150-C-T.
Other names: short protein forms G510E.
Identifiers: ClinVar variation 2811736 (VCV002811736.3), dbSNP rs2469306189, ClinGen allele CA349851224.